The following is an entry in ClinVar:

ClinVar aggregate classification (germline): Uncertain significance (1 of 4 stars; one submission).

Allele frequency attached by ClinVar (database versions not stated): ExAC 0.00001; gnomAD 0.00001; gnomAD exomes 0.00001 and 0.00002; TOPMed 0.00001.
gnomAD v4.1: 4 of 1,613,938 alleles (0.00025%); highest among the groups gnomAD compares: East Asian, 0.0089%; no homozygotes.

Submission:

Labcorp Genetics (formerly Invitae), Labcorp
Classification: Uncertain significance. Last evaluated: 2025-08-06. Review status: criteria provided, single submitter. Criteria: Invitae Variant Classification Sherloc (09022015). Collection method: clinical testing. Allele origin: germline.
Comment: This sequence change replaces proline, which is neutral and non-polar, with serine, which is neutral and polar, at codon 1111 of the CFH protein (p.Pro1111Ser). This variant is present in population databases (rs772573295, gnomAD 0.03%). This variant has not been reported in the literature in individuals affected with CFH-related conditions. ClinVar contains an entry for this variant (Variation ID: 1346457). An algorithm developed to predict the effect of missense changes on protein structure and function outputs the following: PolyPhen-2: "Possibly Damaging". The serine amino acid residue is found in multiple mammalian species, which suggests that this missense change does not adversely affect protein function. In summary, the available evidence is currently insufficient to determine the role of this variant in disease. Therefore, it has been classified as a Variant of Uncertain Significance.

NM_000186.4(CFH):c.3331C>T (p.Pro1111Ser)

Gene: CFH (complement factor H; plus strand). Cytogenetic location: 1q31.3.
Variant type: single nucleotide variant.
Coding change: c.3331C>T on transcript NM_000186.4 (MANE Select); coding-DNA position 3331, C replaced by T.
Protein change: p.Pro1111Ser; replaces proline 1111 with serine.
Molecular consequence: missense variant.
Genome position (GRCh38, 1-based): chr1:196,745,837, C>T. VCF-style: chr1-196745837-C-T. GRCh37 (hg19) VCF-style: chr1-196714967-C-T.
Other names: short protein forms P1111S.
Identifiers: ClinVar variation 1346457 (VCV001346457.6), dbSNP rs772573295, ClinGen allele CA1305938.